The following is an entry in ClinVar:

ClinVar aggregate classification (germline): Uncertain significance (1 of 4 stars; one submission).

Conditions:
Schuurs-Hoeijmakers syndrome. Also called: PACS1-Related Neurodevelopmental Disorder. Identifiers: Orphanet 329224, MedGen C3554343, MONDO:0014006, OMIM 615009.

Allele frequency attached by ClinVar (database versions not stated): TOPMed below 0.00001; gnomAD 0.00001.
gnomAD v4.1: 11 of 1,582,188 alleles (0.0007%); highest among the groups gnomAD compares: Non-Finnish European, 0.00095%; no homozygotes.

Submission:

Labcorp Genetics (formerly Invitae), Labcorp
Classification: Uncertain significance for Schuurs-Hoeijmakers syndrome. Last evaluated: 2023-05-09. Review status: criteria provided, single submitter. Criteria: Invitae Variant Classification Sherloc (09022015). Collection method: clinical testing. Allele origin: germline.
Comment: In summary, the available evidence is currently insufficient to determine the role of this variant in disease. Therefore, it has been classified as a Variant of Uncertain Significance. Advanced modeling of protein sequence and biophysical properties (such as structural, functional, and spatial information, amino acid conservation, physicochemical variation, residue mobility, and thermodynamic stability) performed at Invitae indicates that this missense variant is not expected to disrupt PACS1 protein function. This variant has not been reported in the literature in individuals affected with PACS1-related conditions. This variant is not present in population databases (gnomAD no frequency). This sequence change replaces alanine, which is neutral and non-polar, with glycine, which is neutral and non-polar, at codon 962 of the PACS1 protein (p.Ala962Gly).

NM_018026.4(PACS1):c.2885C>G (p.Ala962Gly)

Gene: PACS1 (phosphofurin acidic cluster sorting protein 1; plus strand). Cytogenetic location: 11q13.2.
Variant type: single nucleotide variant.
Coding change: c.2885C>G on transcript NM_018026.4 (MANE Select); coding-DNA position 2885, C replaced by G.
Protein change: p.Ala962Gly; replaces alanine 962 with glycine.
Molecular consequence: missense variant.
Genome position (GRCh38, 1-based): chr11:66,243,273, C>G. VCF-style: chr11-66243273-C-G. GRCh37 (hg19) VCF-style: chr11-66010744-C-G.
Other names: short protein forms A962G.
Identifiers: ClinVar variation 2048807 (VCV002048807.4), dbSNP rs1183196719, ClinGen allele CA381385140.